The following is an entry in ClinVar:

ClinVar aggregate classification (germline): Uncertain significance. Review status: criteria provided, multiple submitters, no conflicts (2 of 4 stars). 5 submissions from 5 submitters: Uncertain significance (5). Last evaluated 2026-05-15.

Conditions:
NYX-related disorder. Also called: NYX-related condition.
Congenital stationary night blindness 1A (CSNB1A). Also called: MYOPIA-NIGHT BLINDNESS; CSNB, COMPLETE, X-LINKED; HEMERALOPIA-MYOPIA; NYX-Related X-Linked Congenital Stationary Night Blindness; Night blindness, congenital stationary (complete), 1A, X-linked; NIGHT BLINDNESS, CONGENITAL STATIONARY, WITH MYOPIA. Identifiers: Orphanet 215, MedGen C3495587, MONDO:0010690, OMIM 310500.
Inborn genetic diseases. Identifiers: MedGen C0950123, MeSH D030342.

Allele frequency attached by ClinVar (database versions not stated): TOPMed 0.00003; gnomAD exomes 0.00004; gnomAD 0.00006 and 0.00007.

Submissions (5):

PreventionGenetics, part of Exact Sciences
Classification: Uncertain significance for NYX-related condition. Last evaluated: 2026-05-15. Review status: criteria provided, single submitter. Criteria: ACMG Guidelines, 2015. Collection method: clinical testing. Allele origin: germline.
Comment: The NYX c.73G>A variant is predicted to result in the amino acid substitution p.Gly25Arg. To our knowledge, this variant has not been reported in the literature. This variant is present in 0.0061% of alleles in individuals of European (Non-Finnish) descent in gnomAD, including 13 hemizygotes in the latest dataset. Although we suspect that this variant may be benign, at this time, the clinical significance of this variant is uncertain due to the absence of conclusive functional and genetic evidence.

Ambry Genetics
Classification: Uncertain significance for Inborn genetic diseases. Last evaluated: 2026-03-12. Review status: criteria provided, single submitter. Criteria: Ambry Variant Classification Scheme 2023. Collection method: clinical testing. Allele origin: germline.

Blueprint Genetics
Classification: Uncertain significance. Last evaluated: 2024-11-25. Review status: criteria provided, single submitter. Criteria: ACMG Guidelines, 2015. Collection method: clinical testing. Allele origin: germline.

Fulgent Genetics
Classification: Uncertain significance for Congenital stationary night blindness 1A. Last evaluated: 2024-02-16. Review status: criteria provided, single submitter. Criteria: ACMG Guidelines, 2015. Collection method: clinical testing. Allele origin: germline.

Labcorp Genetics (formerly Invitae), Labcorp
Classification: Uncertain significance. Last evaluated: 2023-05-16. Review status: criteria provided, single submitter. Criteria: Invitae Variant Classification Sherloc (09022015). Collection method: clinical testing. Allele origin: germline.
Comment: In summary, the available evidence is currently insufficient to determine the role of this variant in disease. Therefore, it has been classified as a Variant of Uncertain Significance. Advanced modeling of protein sequence and biophysical properties (such as structural, functional, and spatial information, amino acid conservation, physicochemical variation, residue mobility, and thermodynamic stability) performed at Invitae indicates that this missense variant is not expected to disrupt NYX protein function. ClinVar contains an entry for this variant (Variation ID: 1025763). This variant has not been reported in the literature in individuals affected with NYX-related conditions. This variant is present in population databases (no rsID available, gnomAD 0.006%). This sequence change replaces glycine, which is neutral and non-polar, with arginine, which is basic and polar, at codon 25 of the NYX protein (p.Gly25Arg).

NM_001378477.3(NYX):c.58G>A (p.Gly20Arg)

Gene: NYX (nyctalopin; plus strand). Cytogenetic location: Xp11.4.
Variant type: single nucleotide variant.
Coding change: c.58G>A on transcript NM_001378477.3 (MANE Select); coding-DNA position 58, G replaced by A.
Protein change: p.Gly20Arg; replaces glycine 20 with arginine.
Molecular consequence: missense variant.
Genome position (GRCh38, 1-based): chrX:41,473,526, G>A. VCF-style: chrX-41473526-G-A. GRCh37 (hg19) VCF-style: chrX-41332779-G-A.
Other names: c.58G>A, p.Gly20Arg (NM_022567.3); c.73G>A (NM_022567.2); short protein forms G20R.
Identifiers: ClinVar variation 1025763 (VCV001025763.15), dbSNP rs1275929162, ClinGen allele CA412989312.